The following is an entry in ClinVar:

NM_016239.4(MYO15A):c.5692C>T (p.Arg1898Ter)

Gene: MYO15A (myosin XVA; plus strand). Cytogenetic location: 17p11.2.
Variant type: single nucleotide variant.
Coding change: c.5692C>T on transcript NM_016239.4 (MANE Select); coding-DNA position 5692, C replaced by T.
Protein change: p.Arg1898Ter; replaces arginine 1898 with a stop codon.
Molecular consequence: nonsense.
Genome position (GRCh38, 1-based): chr17:18,142,121, C>T. VCF-style: chr17-18142121-C-T. GRCh37 (hg19) VCF-style: chr17-18045435-C-T.
Other names: short protein forms R1898*.
Identifiers: ClinVar variation 4751060 (VCV004751060.1).
Genomic context (GRCh38, chr17:18,142,121, plus strand): 5'-CCTTCCTCCTGTCCTTAGCTGTTCCTTAAGGAACACCTATACCAGCTGCTGGAGAGTATG[C>T]GAGAGCATGTCCTGAATCTGGCAGCCCTCACTCTGCAGCGCTGCCTCCGTGGCTTCTTCA-3'

ClinVar aggregate classification (germline): Pathogenic (1 of 4 stars; one submission).

gnomAD v4.1: 7 of 1,613,682 alleles (0.00043%); highest among the groups gnomAD compares: African/African-American, 0.0013%; no homozygotes.

Submission:

Labcorp Genetics (formerly Invitae), Labcorp
Classification: Pathogenic. Last evaluated: 2025-10-07. Review status: criteria provided, single submitter. Criteria: Invitae Variant Classification Sherloc (09022015). Collection method: clinical testing. Allele origin: germline.
Comment: This sequence change creates a premature translational stop signal (p.Arg1898*) in the MYO15A gene. It is expected to result in an absent or disrupted protein product. Loss-of-function variants in MYO15A are known to be pathogenic (PMID: 17546645). The frequency data for this variant in the population databases is considered unreliable, as metrics indicate poor data quality at this position in the gnomAD database. This premature translational stop signal has been observed in individual(s) with nonsyndromic deafness (PMID: 30953472). For these reasons, this variant has been classified as Pathogenic.

Literature cited by the submitters: PubMed 17546645; PubMed 30953472.